The following is an entry in ClinVar:

ClinVar aggregate classification (germline): Uncertain significance (1 of 4 stars; one submission).

Conditions:
Ataxia-telangiectasia syndrome (AT). Also called: Ataxia telangiectasia (A-T); LOUIS-BAR SYNDROME; Cerebello-oculocutaneous telangiectasia; Immunodeficiency with ataxia telangiectasia; Ataxia-telangiectasia, complementation group D; AT, COMPLEMENTATION GROUP C. Identifiers: Orphanet 100, MedGen C0004135, MONDO:0008840, OMIM 208900.

Submission:

Labcorp Genetics (formerly Invitae), Labcorp
Classification: Uncertain significance for Ataxia-telangiectasia syndrome. Last evaluated: 2016-05-02. Review status: criteria provided, single submitter. Criteria: Invitae Variant Classification Sherloc (09022015). Collection method: clinical testing. Allele origin: germline.
Comment: In summary, this variant is a novel missense change that is not predicted to affect protein function. There is no indication that it causes disease, but the available evidence is currently insufficient to prove that conclusively. Therefore, it has been classified as a Variant of Uncertain Significance. Algorithms developed to predict the effect of missense changes on protein structure and function (SIFT, PolyPhen-2, Align-GVGD) all suggest that this variant is likely to be tolerated, but these predictions have not been confirmed by published functional studies. This variant is not present in population databases (ExAC no frequency) and has not been reported in the literature in individuals with an ATM-related disease. This sequence change replaces glutamine with arginine at codon 1274 of the ATM protein (p.Gln1274Arg). The glutamine residue is weakly conserved and there is a small physicochemical difference between glutamine and arginine.

NM_000051.4(ATM):c.3821A>G (p.Gln1274Arg)

Gene: ATM (ATM serine/threonine kinase; plus strand). Cytogenetic location: 11q22.3.
Variant type: single nucleotide variant.
Coding change: c.3821A>G on transcript NM_000051.4 (MANE Select); coding-DNA position 3821, A replaced by G.
Protein change: p.Gln1274Arg; replaces glutamine 1274 with arginine.
Molecular consequence: missense variant.
Genome position (GRCh38, 1-based): chr11:108,284,301, A>G. VCF-style: chr11-108284301-A-G. GRCh37 (hg19) VCF-style: chr11-108155028-A-G.
Other names: c.3821A>G, p.Gln1274Arg (NM_001351834.2); short protein forms Q1274R.
Identifiers: ClinVar variation 407597 (VCV000407597.8), dbSNP rs1060501624, ClinGen allele CA16613334.